The following is an entry in ClinVar:

ClinVar aggregate classification (germline): Uncertain significance (1 of 4 stars; one submission).

Submission:

Labcorp Genetics (formerly Invitae), Labcorp
Classification: Uncertain significance. Last evaluated: 2022-11-07. Review status: criteria provided, single submitter. Criteria: Invitae Variant Classification Sherloc (09022015). Collection method: clinical testing. Allele origin: germline.
Comment: Algorithms developed to predict the effect of missense changes on protein structure and function output the following: SIFT: "Deleterious"; PolyPhen-2: "Benign"; Align-GVGD: "Class C0". The proline amino acid residue is found in multiple mammalian species, which suggests that this missense change does not adversely affect protein function. In summary, the available evidence is currently insufficient to determine the role of this variant in disease. Therefore, it has been classified as a Variant of Uncertain Significance. This variant has not been reported in the literature in individuals affected with MYLK3-related conditions. This variant is not present in population databases (gnomAD no frequency). This sequence change replaces leucine, which is neutral and non-polar, with proline, which is neutral and non-polar, at codon 356 of the MYLK3 protein (p.Leu356Pro).

NM_182493.3(MYLK3):c.1067T>C (p.Leu356Pro)

Gene: MYLK3 (myosin light chain kinase 3; minus strand). Cytogenetic location: 16q11.2.
Variant type: single nucleotide variant.
Coding change: c.1067T>C on transcript NM_182493.3 (MANE Select); coding-DNA position 1067, T replaced by C.
Protein change: p.Leu356Pro; replaces leucine 356 with proline.
Molecular consequence: missense variant.
Genome position (GRCh38, 1-based): chr16:46,732,603, A>G on the plus strand (T>C on the coding strand, the complement: MYLK3 is on the minus strand). VCF-style: chr16-46732603-A-G. GRCh37 (hg19) VCF-style: chr16-46766515-A-G.
Other names: c.44T>C, p.Leu15Pro (NM_001308301.1); short protein forms L356P, L15P.
Identifiers: ClinVar variation 2812517 (VCV002812517.3), dbSNP rs2548906120, ClinGen allele CA395793053.